The following is an entry in ClinVar:

NM_000059.4(BRCA2):c.2788T>C (p.Tyr930His)

Gene: BRCA2 (BRCA2 DNA repair associated; plus strand). Cytogenetic location: 13q13.1.
Variant type: single nucleotide variant.
Coding change: c.2788T>C on transcript NM_000059.4 (MANE Select); coding-DNA position 2788, T replaced by C.
Protein change: p.Tyr930His; replaces tyrosine 930 with histidine.
Molecular consequence: missense variant.
Genome position (GRCh38, 1-based): chr13:32,337,143, T>C. VCF-style: chr13-32337143-T-C. GRCh37 (hg19) VCF-style: chr13-32911280-T-C.
Other names: short protein forms Y930H.
Identifiers: ClinVar variation 1396150 (VCV001396150.9), dbSNP rs1168540941, ClinGen allele CA387773720.

ClinVar aggregate classification (germline): Conflicting classifications of pathogenicity. Review status: criteria provided, conflicting classifications (1 of 4 stars). 2 submissions from 2 submitters: Uncertain significance (1); Likely benign (1). Last evaluated 2023-03-23.

Conditions:
Hereditary cancer-predisposing syndrome. Also called: Neoplastic Syndromes, Hereditary; Hereditary neoplastic syndrome; Tumor predisposition; Hereditary Cancer Syndrome. Identifiers: Orphanet 140162, MedGen C0027672, MeSH D009386, MONDO:0015356.
Hereditary breast ovarian cancer syndrome. Also called: BRCA1- and BRCA2-Associated Hereditary Breast and Ovarian Cancer; Hereditary breast and ovarian cancer syndrome (HBOC); Hereditary breast and ovarian cancer syndrome; Hereditary breast and ovarian cancer; Breast and ovarian cancer; Hereditary breast and/or ovarian cancer syndrome. Identifiers: Orphanet 145, MedGen C0677776, MeSH D061325, MONDO:0003582. Disease mechanism: loss of function.

Allele frequency attached by ClinVar (database versions not stated): gnomAD 0.00001; TOPMed 0.00001.
gnomAD v4.1: 1 of 1,613,796 alleles (0.000062%); highest among the groups gnomAD compares: Non-Finnish European, 0.000085%; no homozygotes.

Submissions (2):

University of Washington Department of Laboratory Medicine, University of Washington
Classification: Likely benign for Hereditary cancer-predisposing syndrome. Last evaluated: 2023-03-23. Review status: criteria provided, single submitter. Criteria: Dines et al. (Genet Med. 2020). Collection method: curation. Allele origin: germline.
Comment: Missense variant in a coldspot region where missense variants are very unlikely to be pathogenic (PMID:31911673).

BRCA2 exon 11 coldspot. Reclassification based on statistical prior probability.

Labcorp Genetics (formerly Invitae), Labcorp
Classification: Uncertain significance for Hereditary breast ovarian cancer syndrome. Last evaluated: 2021-05-18. Review status: criteria provided, single submitter. Criteria: Invitae Variant Classification Sherloc (09022015). Collection method: clinical testing. Allele origin: germline.
Comment: In summary, the available evidence is currently insufficient to determine the role of this variant in disease. Therefore, it has been classified as a Variant of Uncertain Significance. Advanced modeling of protein sequence and biophysical properties (such as structural, functional, and spatial information, amino acid conservation, physicochemical variation, residue mobility, and thermodynamic stability) performed at Invitae indicates that this missense variant is not expected to disrupt BRCA2 protein function. This variant has not been reported in the literature in individuals with BRCA2-related conditions. This variant is not present in population databases (ExAC no frequency). This sequence change replaces tyrosine with histidine at codon 930 of the BRCA2 protein (p.Tyr930His). The tyrosine residue is weakly conserved and there is a moderate physicochemical difference between tyrosine and histidine.